The following is an entry in ClinVar:

ClinVar aggregate classification (germline): Conflicting classifications of pathogenicity. Review status: criteria provided, conflicting classifications (1 of 4 stars). 4 submissions from 4 submitters: Uncertain significance (2); Likely benign (2). Last evaluated 2025-12-23.

Conditions:
Primary pulmonary hypertension. Also called: Idiopathic pulmonary hypertension. Identifiers: MedGen C0152171.
Inborn genetic diseases. Identifiers: MedGen C0950123, MeSH D030342.
Pulmonary hypertension, primary, 1 (PPH1). Also called: Pulmonary hypertension, familial primary, 1, with or without HHT. Identifiers: Orphanet 422, MedGen C4552070, MONDO:0024533, OMIM 178600.
Pulmonary venoocclusive disease 1 (PVOD1). Also called: Pulmonary venoocclusive disease 1, autosomal dominant. Identifiers: Orphanet 31837, MedGen C3887658, MONDO:0020713, OMIM 265450.

gnomAD v4.1: 11 of 1,613,956 alleles (0.00068%); highest among the groups gnomAD compares: Admixed American, 0.017%; no homozygotes.

Submissions (4):

Labcorp Genetics (formerly Invitae), Labcorp
Classification: Likely benign for Primary pulmonary hypertension. Last evaluated: 2025-12-23. Review status: criteria provided, single submitter. Criteria: Invitae Variant Classification Sherloc (09022015). Collection method: clinical testing. Allele origin: germline.

Mayo Clinic Laboratories, Mayo Clinic
Classification: Likely benign. Last evaluated: 2025-10-20. Review status: criteria provided, single submitter. Criteria: ACMG Guidelines, 2015. Collection method: clinical testing. Allele origin: germline. Observed: 1 variant allele.
Comment: BP4, BP5

Ambry Genetics
Classification: Uncertain significance for Inborn genetic diseases. Last evaluated: 2024-12-25. Review status: criteria provided, single submitter. Criteria: Ambry Variant Classification Scheme 2023. Collection method: clinical testing. Allele origin: germline.
Comment: The p.N534D variant (also known as c.1600A>G), located in coding exon 12 of the BMPR2 gene, results from an A to G substitution at nucleotide position 1600. The asparagine at codon 534 is replaced by aspartic acid, an amino acid with highly similar properties. This amino acid position is conserved. In addition, this alteration is predicted to be tolerated by in silico analysis. Based on the available evidence, the clinical significance of this variant remains unclear.

Fulgent Genetics
Classification: Uncertain significance for Pulmonary hypertension, primary, 1; Pulmonary venoocclusive disease 1. Last evaluated: 2024-06-10. Review status: criteria provided, single submitter. Criteria: ACMG Guidelines, 2015. Collection method: clinical testing. Allele origin: germline.

NM_001204.7(BMPR2):c.1600A>G (p.Asn534Asp)

Gene: BMPR2 (bone morphogenetic protein receptor type 2; plus strand). Cytogenetic location: 2q33.2.
Variant type: single nucleotide variant.
Coding change: c.1600A>G on transcript NM_001204.7 (MANE Select); coding-DNA position 1600, A replaced by G.
Protein change: p.Asn534Asp; replaces asparagine 534 with aspartic acid.
Molecular consequence: missense variant.
Genome position (GRCh38, 1-based): chr2:202,555,265, A>G. VCF-style: chr2-202555265-A-G. GRCh37 (hg19) VCF-style: chr2-203419988-A-G.
Other names: p.Asn534Asp; short protein forms N534D.
Identifiers: ClinVar variation 3585283 (VCV003585283.4).